The following is an entry in ClinVar:

ClinVar aggregate classification (germline): Uncertain significance (1 of 4 stars; one submission).

Submission:

Labcorp Genetics (formerly Invitae), Labcorp
Classification: Uncertain significance. Last evaluated: 2022-10-13. Review status: criteria provided, single submitter. Criteria: Invitae Variant Classification Sherloc (09022015). Collection method: clinical testing. Allele origin: germline.
Comment: In summary, the available evidence is currently insufficient to determine the role of this variant in disease. Therefore, it has been classified as a Variant of Uncertain Significance. Algorithms developed to predict the effect of missense changes on protein structure and function are either unavailable or do not agree on the potential impact of this missense change (SIFT: "Deleterious"; PolyPhen-2: "Benign"; Align-GVGD: "Class C0"). ClinVar contains an entry for this variant (Variation ID: 1389128). This variant has not been reported in the literature in individuals affected with ASXL1-related conditions. This variant is not present in population databases (gnomAD no frequency). This sequence change replaces serine, which is neutral and polar, with tyrosine, which is neutral and polar, at codon 714 of the ASXL1 protein (p.Ser714Tyr).

NM_015338.6(ASXL1):c.2141C>A (p.Ser714Tyr)

Gene: ASXL1 (ASXL transcriptional regulator 1; plus strand). Cytogenetic location: 20q11.21.
Variant type: single nucleotide variant.
Coding change: c.2141C>A on transcript NM_015338.6 (MANE Select); coding-DNA position 2141, C replaced by A.
Protein change: p.Ser714Tyr; replaces serine 714 with tyrosine.
Molecular consequence: missense variant.
Genome position (GRCh38, 1-based): chr20:32,434,853, C>A. VCF-style: chr20-32434853-C-A. GRCh37 (hg19) VCF-style: chr20-31022656-C-A.
Other names: c.1958C>A, p.Ser653Tyr (NM_001363734.1); short protein forms S653Y, S714Y.
Identifiers: ClinVar variation 1389128 (VCV001389128.8), dbSNP rs2145363937, ClinGen allele CA408559169.